The following is an entry in ClinVar:

NM_001374828.1(ARID1B):c.7051T>A (p.Ser2351Thr)

Gene: ARID1B (AT-rich interaction domain 1B; plus strand). Cytogenetic location: 6q25.3.
Variant type: single nucleotide variant.
Coding change: c.7051T>A on transcript NM_001374828.1 (MANE Select); coding-DNA position 7051, T replaced by A.
Protein change: p.Ser2351Thr; replaces serine 2351 with threonine.
Molecular consequence: missense variant.
Genome position (GRCh38, 1-based): chr6:157,207,823, T>A. VCF-style: chr6-157207823-T-A. GRCh37 (hg19) VCF-style: chr6-157528957-T-A.
Other names: c.6682T>A (NM_020732.3); c.4552T>A, p.Ser1518Thr (NM_001363725.2); c.6931T>A, p.Ser2311Thr (NM_001371656.1, NM_001374820.1); c.6892T>A, p.Ser2298Thr (NM_017519.3); short protein forms S1518T, S2298T, S2311T, S2351T.
Identifiers: ClinVar variation 1306883 (VCV001306883.2), dbSNP rs2128399581, ClinGen allele CA366249644.

ClinVar aggregate classification (germline): Uncertain significance (1 of 4 stars; one submission).

Submission:

GeneDx
Classification: Uncertain significance. Last evaluated: 2019-07-09. Review status: criteria provided, single submitter. Criteria: GeneDx Variant Classification Process June 2021. Collection method: clinical testing. Allele origin: germline. Affected: yes.
Comment: Not observed in large population cohorts (Lek et al., 2016); In silico analysis, which includes protein predictors and evolutionary conservation, supports a deleterious effect; Has not been previously published as pathogenic or benign to our knowledge